The following is an entry in ClinVar:

NM_000052.7(ATP7A):c.2947A>G (p.Thr983Ala)

Gene: ATP7A (ATPase copper transporting alpha; plus strand). Cytogenetic location: Xq21.1.
Variant type: single nucleotide variant.
Coding change: c.2947A>G on transcript NM_000052.7 (MANE Select); coding-DNA position 2947, A replaced by G.
Protein change: p.Thr983Ala; replaces threonine 983 with alanine.
Molecular consequence: missense variant.
Genome position (GRCh38, 1-based): chrX:78,029,280, A>G. VCF-style: chrX-78029280-A-G. GRCh37 (hg19) VCF-style: chrX-77284777-A-G.
Other names: c.2713A>G, p.Thr905Ala (NM_001282224.2); short protein forms T905A, T983A.
Identifiers: ClinVar variation 1361637 (VCV001361637.9), dbSNP rs1023683992, ClinGen allele CA331104309.

ClinVar aggregate classification (germline): Conflicting classifications of pathogenicity. Review status: criteria provided, conflicting classifications (1 of 4 stars). 2 submissions from 2 submitters: Uncertain significance (1); Benign (1). Last evaluated 2026-05-20.

Conditions:
Cutis laxa, X-linked (OHS). Also called: EDS IX; Occipital horn syndrome. Identifiers: Orphanet 198, MedGen C0268353, MONDO:0010572, OMIM 304150.
X-linked distal spinal muscular atrophy type 3. Also called: SPINAL MUSCULAR ATROPHY, DISTAL, X-LINKED RECESSIVE; ATP7A-Related Distal Motor Neuropathy; NEURONOPATHY, DISTAL HEREDITARY MOTOR, X-LINKED; NEUROPATHY, DISTAL HEREDITARY MOTOR, X-LINKED. Identifiers: Orphanet 139557, MedGen C1845359, MONDO:0010338, OMIM 300489.
Menkes kinky-hair syndrome (MNK). Also called: Copper transport disease; Classic Menkes Disease; Menkes Disease. Identifiers: Orphanet 565, MedGen C0022716, MONDO:0010651, OMIM 309400.

Allele frequency attached by ClinVar (database versions not stated): TOPMed below 0.00001; gnomAD exomes 0.00001 and 0.00002.
gnomAD v4.1: 22 of 1,211,105 alleles (0.0018%); highest among the groups gnomAD compares: Non-Finnish European, 0.0023%; no homozygotes.

Submissions (2):

Women's Health and Genetics/Laboratory Corporation of America, LabCorp
Classification: Uncertain significance. Last evaluated: 2026-05-20. Review status: criteria provided, single submitter. Criteria: LabCorp Variant Classification Summary - May 2015. Collection method: clinical testing. Allele origin: germline.
Comment: Variant summary: ATP7A c.2947A>G (p.Thr983Ala) results in a non-conservative amino acid change in the encoded protein sequence. Algorithms developed to predict the effect of missense changes on protein structure and function are either unavailable or do not agree on the potential impact of this missense change. The variant allele was found at a frequency of 5.5e-06 in 183351 control chromosomes. The available data on variant occurrences in the general population are insufficient to allow any conclusion about variant significance. To our knowledge, no occurrence of c.2947A>G in individuals affected with ATP7A-related conditions and no experimental evidence demonstrating its impact on protein function have been reported. ClinVar contains an entry for this variant (Variation ID: 1361637). Based on the evidence outlined above, the variant was classified as uncertain significance.

Labcorp Genetics (formerly Invitae), Labcorp
Classification: Benign for X-linked distal spinal muscular atrophy type 3; Cutis laxa, X-linked; Menkes kinky-hair syndrome. Last evaluated: 2024-01-27. Review status: criteria provided, single submitter. Criteria: Invitae Variant Classification Sherloc (09022015). Collection method: clinical testing. Allele origin: germline.